The following is an entry in ClinVar:

ClinVar aggregate classification (germline): Likely benign (1 of 4 stars; one submission).

Conditions:
ASPH-related disorder. Also called: ASPH-related condition.

gnomAD v4.1: 108 of 1,606,868 alleles (0.0067%); highest among the groups gnomAD compares: Non-Finnish European, 0.0083%; no homozygotes.

Submission:

PreventionGenetics, part of Exact Sciences
Classification: Likely benign for ASPH-related condition. Last evaluated: 2026-01-27. Review status: criteria provided, single submitter. Criteria: ACMG Guidelines, 2015. Collection method: clinical testing. Allele origin: germline.
Comment: This variant is classified as likely benign based on ACMG/AMP sequence variant interpretation guidelines (Richards et al. 2015 PMID: 25741868, with internal and published modifications).

NM_004318.4(ASPH):c.490+7A>G

Gene: ASPH (aspartate beta-hydroxylase; minus strand). Cytogenetic location: 8q12.3.
Variant type: single nucleotide variant.
Coding change: c.490+7A>G on transcript NM_004318.4 (MANE Select); 7 bases into the intron after coding-DNA position 490, A replaced by G.
Molecular consequence: intron variant.
Genome position (GRCh38, 1-based): chr8:61,651,043, T>C on the plus strand (A>G on the coding strand, the complement: ASPH is on the minus strand). VCF-style: chr8-61651043-T-C. GRCh37 (hg19) VCF-style: chr8-62563602-T-C.
Other names: c.322+29925A>G (NM_001413901.1, NM_001413909.1); c.415+2525A>G (NM_001413895.1, NM_001413894.1, NM_001413884.1 and 3 more transcripts); c.490+7A>G (NM_001413900.1, NM_001413898.1, NM_001413886.1 and 39 more transcripts); c.535+7A>G (NM_001413874.1, NM_001413865.1, NM_001413872.1 and 7 more transcripts); c.403+7A>G (NM_001164750.2, NM_001413908.1, NM_001413907.1 and 4 more transcripts); c.448+7A>G (NM_001413856.1, NM_001164753.2, NM_001164752.2 and 3 more transcripts).
Identifiers: ClinVar variation 5002578 (VCV005002578.1).